The following is an entry in ClinVar:

NM_017934.7(PHIP):c.73G>A (p.Asp25Asn)

Gene: PHIP (PHIP subunit of CUL4-Ring ligase complex; minus strand). Cytogenetic location: 6q14.1.
Variant type: single nucleotide variant.
Coding change: c.73G>A on transcript NM_017934.7 (MANE Select); coding-DNA position 73, G replaced by A.
Protein change: p.Asp25Asn; replaces aspartic acid 25 with asparagine.
Molecular consequence: missense variant.
Genome position (GRCh38, 1-based): chr6:79,077,881, C>T on the plus strand (G>A on the coding strand, the complement: PHIP is on the minus strand). VCF-style: chr6-79077881-C-T. GRCh37 (hg19) VCF-style: chr6-79787598-C-T.
Other names: short protein forms D25N.
Identifiers: ClinVar variation 4995672 (VCV004995672.1).

ClinVar aggregate classification (germline): Uncertain significance (1 of 4 stars; one submission).

Conditions:
PHIP-related disorder. Also called: PHIP-related disorders; PHIP-related condition.

gnomAD v4.1: 2 of 1,581,932 alleles (0.00013%); highest among the groups gnomAD compares: Non-Finnish European, 0.00017%; no homozygotes.

Submission:

PreventionGenetics, part of Exact Sciences
Classification: Uncertain significance for PHIP-related condition. Last evaluated: 2026-03-23. Review status: criteria provided, single submitter. Criteria: ACMG Guidelines, 2015. Collection method: clinical testing. Allele origin: germline.
Comment: The PHIP c.73G>A variant is predicted to result in the amino acid substitution p.Asp25Asn. To our knowledge, this variant has not been reported in the literature or in a large population database (gnomAD), indicating this variant is rare. At this time, the clinical significance of this variant is uncertain due to the absence of conclusive functional and genetic evidence.